The following is an entry in ClinVar:

ClinVar aggregate classification (germline): Uncertain significance. Review status: criteria provided, multiple submitters, no conflicts (2 of 4 stars). 2 submissions from 2 submitters: Uncertain significance (2). Last evaluated 2025-10-28.

Conditions:
Brugada syndrome. Also called: Sudden Unexplained Death Syndrome; Sudden Unexplained Nocturnal Death Syndrome (SUNDS); Sudden unexpected nocturnal death syndrome; Sudden unexplained nocturnal death syndrome. Identifiers: Orphanet 130, MedGen C1142166, MONDO:0015263.
Cardiovascular phenotype. Identifiers: MedGen CN230736.

Allele frequency attached by ClinVar (database versions not stated): TOPMed 0.00002.
gnomAD v4.1: 1 of 1,614,214 alleles (0.000062%); highest among the groups gnomAD compares: Non-Finnish European, 0.000085%; no homozygotes.

Submissions (2):

Labcorp Genetics (formerly Invitae), Labcorp
Classification: Uncertain significance for Brugada syndrome. Last evaluated: 2025-10-28. Review status: criteria provided, single submitter. Criteria: Invitae Variant Classification Sherloc (09022015). Collection method: clinical testing. Allele origin: germline.
Comment: This sequence change replaces isoleucine, which is neutral and non-polar, with leucine, which is neutral and non-polar, at codon 437 of the SCN10A protein (p.Ile437Leu). This variant is not present in population databases (gnomAD no frequency). This variant has not been reported in the literature in individuals affected with SCN10A-related conditions. ClinVar contains an entry for this variant (Variation ID: 1769589). Invitae Evidence Modeling of protein sequence and biophysical properties (such as structural, functional, and spatial information, amino acid conservation, physicochemical variation, residue mobility, and thermodynamic stability) indicates that this missense variant is not expected to disrupt SCN10A protein function with a negative predictive value of 80%. In summary, the available evidence is currently insufficient to determine the role of this variant in disease. Therefore, it has been classified as a Variant of Uncertain Significance.

Ambry Genetics
Classification: Uncertain significance for Cardiovascular phenotype. Last evaluated: 2022-08-03. Review status: criteria provided, single submitter. Criteria: Ambry Variant Classification Scheme 2023. Collection method: clinical testing. Allele origin: germline.
Comment: The p.I437L variant (also known as c.1309A>C), located in coding exon 10 of the SCN10A gene, results from an A to C substitution at nucleotide position 1309. The isoleucine at codon 437 is replaced by leucine, an amino acid with highly similar properties. This amino acid position is conserved. In addition, this alteration is predicted to be tolerated by in silico analysis. Since supporting evidence is limited at this time, the clinical significance of this alteration remains unclear.

NM_006514.4(SCN10A):c.1309A>C (p.Ile437Leu)

Gene: SCN10A (sodium voltage-gated channel alpha subunit 10; minus strand). Cytogenetic location: 3p22.2.
Variant type: single nucleotide variant.
Coding change: c.1309A>C on transcript NM_006514.4 (MANE Select); coding-DNA position 1309, A replaced by C.
Protein change: p.Ile437Leu; replaces isoleucine 437 with leucine.
Molecular consequence: missense variant.
Genome position (GRCh38, 1-based): chr3:38,755,940, T>G on the plus strand (A>C on the coding strand, the complement: SCN10A is on the minus strand). VCF-style: chr3-38755940-T-G. GRCh37 (hg19) VCF-style: chr3-38797431-T-G.
Other names: c.1309A>C, p.Ile437Leu (NM_001293306.2, NM_001293307.2); short protein forms I437L.
Identifiers: ClinVar variation 1769589 (VCV001769589.3), dbSNP rs772406653, ClinGen allele CA352169074.